The following is an entry in ClinVar:

ClinVar aggregate classification (germline): Uncertain significance (1 of 4 stars; one submission).

Conditions:
Hereditary cancer-predisposing syndrome. Also called: Neoplastic Syndromes, Hereditary; Tumor predisposition; Hereditary Cancer Syndrome; Hereditary neoplastic syndrome. Identifiers: Orphanet 140162, MedGen C0027672, MeSH D009386, MONDO:0015356.

Submission:

Ambry Genetics
Classification: Uncertain significance for Hereditary cancer-predisposing syndrome. Last evaluated: 2026-01-07. Review status: criteria provided, single submitter. Criteria: Ambry Variant Classification Scheme 2023. Collection method: clinical testing. Allele origin: germline.
Comment: The c.-3G>A variant is located in the 5' untranslated region (5&rsquo; UTR) of the MEN1 gene. This variant results from a G to A substitution 3 bases upstream from the first translated codon. This nucleotide position is well conserved in available vertebrate species. Based on the available evidence, the clinical significance of this variant remains unclear.

NM_001370259.2(MEN1):c.-3G>A

Gene: MEN1 (menin 1; minus strand). Cytogenetic location: 11q13.1.
Variant type: single nucleotide variant.
Coding change: c.-3G>A on transcript NM_001370259.2 (MANE Select); 3 bases upstream of the start codon, G replaced by A.
Molecular consequence: 5 prime UTR variant. On other transcripts: non-coding transcript variant (4).
Genome position (GRCh38, 1-based): chr11:64,810,112, C>T on the plus strand (G>A on the coding strand, the complement: MEN1 is on the minus strand). VCF-style: chr11-64810112-C-T. GRCh37 (hg19) VCF-style: chr11-64577584-C-T.
Other names: c.-3G>A (NM_000244.4, NM_001370251.2, NM_001370260.2 and 20 more transcripts).
Identifiers: ClinVar variation 4842463 (VCV004842463.1).
Genomic context (GRCh38, chr11:64,810,112, plus strand): 5'-CCACGTCGTCGATGGAGCGCAGCGGGAACAGCGTCTTCTGGGCGGCCTTCAGCCCCATGG[C>T]GGCGGGCGGTGGGCGGCGGCCTGCAAGGCAAGCCGGGGGAGGGAGGGTCGGGCAGGTTCG-3'